The following is an entry in ClinVar:

ClinVar aggregate classification (germline): Uncertain significance. Review status: criteria provided, multiple submitters, no conflicts (2 of 4 stars). 3 submissions from 3 submitters: Uncertain significance (3). Last evaluated 2026-07-17.

Conditions:
BBS1-related disorder. Also called: BBS1-related condition.
Bardet-Biedl syndrome (BBS). Identifiers: Orphanet 110, MedGen C0752166, MONDO:0015229.

Allele frequency attached by ClinVar (database versions not stated): gnomAD 0.00001; gnomAD exomes 0.00002; ExAC 0.00001; TOPMed 0.00002.
gnomAD v4.1: 31 of 1,612,240 alleles (0.0019%); highest among the groups gnomAD compares: Admixed American, 0.005%; no homozygotes.

Submissions (3):

PreventionGenetics, part of Exact Sciences
Classification: Uncertain significance for BBS1-related condition. Last evaluated: 2026-07-17. Review status: criteria provided, single submitter. Criteria: ACMG Guidelines, 2015. Collection method: clinical testing. Allele origin: germline.
Comment: The BBS1 c.982G>A variant is predicted to result in the amino acid substitution p.Ala328Thr. To our knowledge, this variant has not been reported in the literature. This variant is reported in 0.0085% of alleles in individuals of Latino descent in gnomAD. At this time, the clinical significance of this variant is uncertain due to the absence of conclusive functional and genetic evidence.

Blueprint Genetics
Classification: Uncertain significance. Last evaluated: 2024-03-26. Review status: criteria provided, single submitter. Criteria: ACMG Guidelines, 2015. Collection method: clinical testing. Allele origin: germline.

Labcorp Genetics (formerly Invitae), Labcorp
Classification: Uncertain significance for Bardet-Biedl syndrome. Last evaluated: 2022-07-11. Review status: criteria provided, single submitter. Criteria: Invitae Variant Classification Sherloc (09022015). Collection method: clinical testing. Allele origin: germline.
Comment: This sequence change replaces alanine, which is neutral and non-polar, with threonine, which is neutral and polar, at codon 328 of the BBS1 protein (p.Ala328Thr). This variant is present in population databases (rs766684863, gnomAD 0.009%). This variant has not been reported in the literature in individuals affected with BBS1-related conditions. Algorithms developed to predict the effect of missense changes on protein structure and function are either unavailable or do not agree on the potential impact of this missense change (SIFT: "Tolerated"; PolyPhen-2: "Possibly Damaging"; Align-GVGD: "Class C0"). In summary, the available evidence is currently insufficient to determine the role of this variant in disease. Therefore, it has been classified as a Variant of Uncertain Significance.

NM_024649.5(BBS1):c.982G>A (p.Ala328Thr)

Genes: BBS1 (Bardet-Biedl syndrome 1; plus strand), ZDHHC24 (zDHHC palmitoyltransferase 24; minus strand). Cytogenetic location: 11q13.2.
Variant type: single nucleotide variant.
Coding change: c.982G>A on transcript NM_024649.5 (MANE Select); coding-DNA position 982, G replaced by A.
Protein change: p.Ala328Thr; replaces alanine 328 with threonine.
Molecular consequence: missense variant. On other transcripts: intron variant (1).
Genome position (GRCh38, 1-based): chr11:66,523,754, G>A. VCF-style: chr11-66523754-G-A. GRCh37 (hg19) VCF-style: chr11-66291225-G-A.
Other names: c.*22-2288C>T (NM_001348571.2); short protein forms A328T.
Identifiers: ClinVar variation 2192817 (VCV002192817.4), dbSNP rs766684863, ClinGen allele CA6123584.